The following is an entry in ClinVar:

NM_203447.4(DOCK8):c.5140G>A (p.Glu1714Lys)

Gene: DOCK8 (dedicator of cytokinesis 8; plus strand). Cytogenetic location: 9p24.3.
Variant type: single nucleotide variant.
Coding change: c.5140G>A on transcript NM_203447.4 (MANE Select); coding-DNA position 5140, G replaced by A.
Protein change: p.Glu1714Lys; replaces glutamic acid 1714 with lysine.
Molecular consequence: missense variant.
Genome position (GRCh38, 1-based): chr9:439,305, G>A. VCF-style: chr9-439305-G-A. GRCh37 (hg19) VCF-style: chr9-439305-G-A.
Other names: c.4840G>A, p.Glu1614Lys (NM_001190458.2); c.4936G>A, p.Glu1646Lys (NM_001193536.2); short protein forms E1614K, E1646K, E1714K.
Identifiers: ClinVar variation 835517 (VCV000835517.9), dbSNP rs994319474, ClinGen allele CA187816029.

ClinVar aggregate classification (germline): Uncertain significance. Review status: criteria provided, multiple submitters, no conflicts (2 of 4 stars). 2 submissions from 2 submitters: Uncertain significance (2). Last evaluated 2025-08-07.

Conditions:
Hyper-IgE recurrent infection syndrome 3, autosomal recessive. Also called: HYPER-IgE SYNDROME 3, AUTOSOMAL RECESSIVE, WITH RECURRENT INFECTIONS; Autosomal recessive hyper-IgE syndrome due to ZNF341 deficiency. Identifiers: Orphanet 641368, MedGen C4748969, MONDO:0032654, OMIM 618282.
Inborn genetic diseases. Identifiers: MedGen C0950123, MeSH D030342.

Allele frequency attached by ClinVar (database versions not stated): gnomAD exomes below 0.00001.
gnomAD v4.1: 1 of 1,614,184 alleles (0.000062%); highest among the groups gnomAD compares: Non-Finnish European, 0.000085%; no homozygotes.

Submissions (2):

Ambry Genetics
Classification: Uncertain significance for Inborn genetic diseases. Last evaluated: 2025-08-07. Review status: criteria provided, single submitter. Criteria: Ambry Variant Classification Scheme 2023. Collection method: clinical testing. Allele origin: germline.

Labcorp Genetics (formerly Invitae), Labcorp
Classification: Uncertain significance for Combined immunodeficiency due to DOCK8 deficiency. Last evaluated: 2022-07-19. Review status: criteria provided, single submitter. Criteria: Invitae Variant Classification Sherloc (09022015). Collection method: clinical testing. Allele origin: germline.
Comment: In summary, the available evidence is currently insufficient to determine the role of this variant in disease. Therefore, it has been classified as a Variant of Uncertain Significance. Algorithms developed to predict the effect of missense changes on protein structure and function are either unavailable or do not agree on the potential impact of this missense change (SIFT: "Tolerated"; PolyPhen-2: "Possibly Damaging"; Align-GVGD: "Class C0"). ClinVar contains an entry for this variant (Variation ID: 835517). This variant has not been reported in the literature in individuals affected with DOCK8-related conditions. This variant is not present in population databases (gnomAD no frequency). This sequence change replaces glutamic acid, which is acidic and polar, with lysine, which is basic and polar, at codon 1714 of the DOCK8 protein (p.Glu1714Lys).